The following is an entry in ClinVar:

ClinVar aggregate classification (germline): Uncertain significance. Review status: criteria provided, multiple submitters, no conflicts (2 of 4 stars). 2 submissions from 2 submitters: Uncertain significance (2). Last evaluated 2025-04-14.

Conditions:
Primary ciliary dyskinesia. Also called: Ciliary dyskinesia. Identifiers: Orphanet 244, MedGen C0008780, MONDO:0016575, HP:0012265.

gnomAD v4.1: 1 of 1,581,766 alleles (0.000063%); highest among the groups gnomAD compares: Non-Finnish European, 0.000086%; no homozygotes.

Submissions (2):

Ambry Genetics
Classification: Uncertain significance for Primary ciliary dyskinesia. Last evaluated: 2025-04-14. Review status: criteria provided, single submitter. Criteria: Ambry Variant Classification Scheme 2023. Collection method: clinical testing. Allele origin: germline.

Labcorp Genetics (formerly Invitae), Labcorp
Classification: Uncertain significance for Primary ciliary dyskinesia. Last evaluated: 2021-10-23. Review status: criteria provided, single submitter. Criteria: Invitae Variant Classification Sherloc (09022015). Collection method: clinical testing. Allele origin: germline.
Comment: Algorithms developed to predict the effect of missense changes on protein structure and function (SIFT, PolyPhen-2, Align-GVGD) all suggest that this variant is likely to be tolerated. This variant has not been reported in the literature in individuals affected with DNAAF1-related conditions. This variant is not present in population databases (gnomAD no frequency). This sequence change replaces leucine, which is neutral and non-polar, with histidine, which is basic and polar, at codon 442 of the DNAAF1 protein (p.Leu442His). In summary, the available evidence is currently insufficient to determine the role of this variant in disease. Therefore, it has been classified as a Variant of Uncertain Significance.

NM_178452.6(DNAAF1):c.1325T>A (p.Leu442His)

Gene: DNAAF1 (dynein axonemal assembly factor 1; plus strand). Cytogenetic location: 16q24.1.
Variant type: single nucleotide variant.
Coding change: c.1325T>A on transcript NM_178452.6 (MANE Select); coding-DNA position 1325, T replaced by A.
Protein change: p.Leu442His; replaces leucine 442 with histidine.
Molecular consequence: missense variant.
Genome position (GRCh38, 1-based): chr16:84,170,153, T>A. VCF-style: chr16-84170153-T-A. GRCh37 (hg19) VCF-style: chr16-84203759-T-A.
Other names: c.1325T>A (NM_178452.4); c.617T>A, p.Leu206His (NM_001318756.1); short protein forms L442H, L206H.
Identifiers: ClinVar variation 1521519 (VCV001521519.7), dbSNP rs2151266342, ClinGen allele CA396948222.